The following is an entry in ClinVar:

ClinVar aggregate classification (germline): Uncertain significance (1 of 4 stars; one submission).

Conditions:
Lethal congenital glycogen storage disease of heart. Also called: GLYCOGEN STORAGE DISEASE OF HEART; PHOSPHORYLASE KINASE DEFICIENCY OF HEART. Identifiers: Orphanet 439854, MedGen C1849813, MONDO:0009867, OMIM 261740.

Submission:

Labcorp Genetics (formerly Invitae), Labcorp
Classification: Uncertain significance for Lethal congenital glycogen storage disease of heart. Last evaluated: 2022-03-19. Review status: criteria provided, single submitter. Criteria: Invitae Variant Classification Sherloc (09022015). Collection method: clinical testing. Allele origin: germline.
Comment: In summary, the available evidence is currently insufficient to determine the role of this variant in disease. Therefore, it has been classified as a Variant of Uncertain Significance. Advanced modeling of protein sequence and biophysical properties (such as structural, functional, and spatial information, amino acid conservation, physicochemical variation, residue mobility, and thermodynamic stability) performed at Invitae indicates that this missense variant is not expected to disrupt PRKAG2 protein function. This variant has not been reported in the literature in individuals affected with PRKAG2-related conditions. This variant is not present in population databases (gnomAD no frequency). This sequence change replaces histidine, which is basic and polar, with leucine, which is neutral and non-polar, at codon 222 of the PRKAG2 protein (p.His222Leu).

NM_016203.4(PRKAG2):c.665A>T (p.His222Leu)

Gene: PRKAG2 (protein kinase AMP-activated non-catalytic subunit gamma 2; minus strand). Cytogenetic location: 7q36.1.
Variant type: single nucleotide variant.
Coding change: c.665A>T on transcript NM_016203.4 (MANE Select); coding-DNA position 665, A replaced by T.
Protein change: p.His222Leu; replaces histidine 222 with leucine.
Molecular consequence: missense variant.
Genome position (GRCh38, 1-based): chr7:151,675,439, T>A on the plus strand (A>T on the coding strand, the complement: PRKAG2 is on the minus strand). VCF-style: chr7-151675439-T-A. GRCh37 (hg19) VCF-style: chr7-151372525-T-A.
Other names: c.533A>T, p.His178Leu (NM_001040633.2, NM_001407024.1, NM_001407026.1 and 1 more transcripts); c.293A>T, p.His98Leu (NM_001304527.2, NM_001363698.2, NM_001407028.1 and 1 more transcripts); c.665A>T, p.His222Leu (NM_001407021.1, NM_001407022.1, NM_001407023.1); c.347A>T, p.His116Leu (NM_001407032.1); short protein forms H116L, H178L, H98L, H222L.
Identifiers: ClinVar variation 2044886 (VCV002044886.4), dbSNP rs1289045435, ClinGen allele CA370186917.